The following is an entry in ClinVar:

NM_000531.6(OTC):c.541-305A>G

Gene: OTC (ornithine transcarbamylase; plus strand). Cytogenetic location: Xp11.4.
Variant type: single nucleotide variant.
Coding change: c.541-305A>G on transcript NM_000531.6 (MANE Select); 305 bases into the intron before coding-DNA position 541, A replaced by G.
Molecular consequence: intron variant.
Genome position (GRCh38, 1-based): chrX:38,403,313, A>G. VCF-style: chrX-38403313-A-G. GRCh37 (hg19) VCF-style: chrX-38262566-A-G.
Identifiers: ClinVar variation 680701 (VCV000680701.1), dbSNP rs6609709, ClinGen allele CA16010324.
Genomic context (GRCh38, chrX:38,403,313, plus strand): 5'-TGTCTCCTTTGTTTATTGTATCTCCAGGGCCAAGGACAGTGTCTCAGTGTCTGGATGTTA[A>G]TGGTGCTCATTTGTATCCAATGAGTGAATACAACTAAGACTCAGATTTGAAATGTATGAA-3'

ClinVar aggregate classification (germline): Benign (1 of 4 stars; one submission).

Allele frequency attached by ClinVar (database versions not stated): TOPMed 0.22551; gnomAD 0.22631 and 0.22819; 1000 Genomes Project 30x 0.25057; 1000 Genomes Project 0.25404.
gnomAD v4.1: 25,194 of 110,833 alleles (23%); highest among the groups gnomAD compares: South Asian, 30%; 2,191 homozygotes.

Submission:

GeneDx
Classification: Benign. Last evaluated: 2018-06-14. Review status: criteria provided, single submitter. Criteria: GeneDx Variant Classification (06012015). Collection method: clinical testing. Allele origin: germline. Affected: yes.
Comment: This variant is considered likely benign or benign based on one or more of the following criteria: it is a conservative change, it occurs at a poorly conserved position in the protein, it is predicted to be benign by multiple in silico algorithms, and/or has population frequency not consistent with disease.